The following is an entry in ClinVar:

ClinVar aggregate classification (germline): Likely pathogenic (1 of 4 stars; one submission).

Conditions:
Hereditary insensitivity to pain with anhidrosis (CIPA). Also called: INSENSITIVITY TO PAIN, CONGENITAL, WITH ANHIDROSIS; FAMILIAL DYSAUTONOMIA, TYPE II; NEUROPATHY, CONGENITAL SENSORY, WITH ANHIDROSIS; HSAN Type IV; hereditary sensory and autonomic neuropathy type 4; NTRK1 Congenital Insensitivity to Pain with Anhidrosis. Identifiers: Orphanet 642, MedGen C0020074, MONDO:0009746, OMIM 256800.

Submission:

Medical Molecular Genetics, National Research Centre
Classification: Likely pathogenic for Hereditary insensitivity to pain with anhidrosis. Last evaluated: 2026-04-28. Review status: criteria provided, single submitter. Criteria: ACMG Guidelines, 2015. Collection method: research. Allele origin: inherited. Affected: yes.
Comment: The p.(Phe105SerfsTer16) variant causes a frameshift starting at codon 105 and introduces a premature termination codon 16 amino acids downstream. The variant is predicted to result in loss of normal protein function.

NM_002529.4(NTRK1):c.314del (p.Phe105fs)

Gene: NTRK1 (neurotrophic receptor tyrosine kinase 1; plus strand). Cytogenetic location: 1q23.1.
Variant type: Deletion.
Coding change: c.314del on transcript NM_002529.4 (MANE Select); coding-DNA position 314, one base deleted (T; older notation c.314delT).
Protein change: p.Phe105fs; shifts the reading frame from phenylalanine 105.
Molecular consequence: frameshift variant.
Genome position (GRCh38, 1-based): chr1:156,864,754, T deleted; the last of 3 consecutive T bases (chr1:156,864,752-156,864,754); deleting any one gives the same sequence. VCF-style (leftmost placement, unchanged base first): chr1-156864751-GT-G. GRCh37 (hg19) VCF-style: chr1-156834543-GT-G.
Other names: c.224del, p.Phe75fs (NM_001007792.1); c.314del, p.Phe105fs (NM_001012331.2); c.314delT (NM_002529.4); short protein forms F105fs, F75fs.
Identifiers: ClinVar variation 4852845 (VCV004852845.1).
Genomic context (GRCh38, chr1:156,864,751, plus strand): 5'-GAGACCTGGGGACTGATCCTCCTGCACCCCTCCCCAGCACCATCGTGAAGAGTGGTCTCC[GT>G]TTCGTGGCGCCAGATGCCTTCCATTTCACTCCTCGGCTCAGTCGCCTGTGAGTGTGGCCA-3'